The following is an entry in ClinVar:

NM_001101.5(ACTB):c.349G>A (p.Glu117Lys)

Gene: ACTB (actin beta; minus strand). Cytogenetic location: 7p22.1.
Variant type: single nucleotide variant.
Coding change: c.349G>A on transcript NM_001101.5 (MANE Select); coding-DNA position 349, G replaced by A.
Protein change: p.Glu117Lys; replaces glutamic acid 117 with lysine.
Molecular consequence: missense variant.
Genome position (GRCh38, 1-based): chr7:5,529,175, C>T on the plus strand (G>A on the coding strand, the complement: ACTB is on the minus strand). VCF-style: chr7-5529175-C-T. GRCh37 (hg19) VCF-style: chr7-5568806-C-T.
Other names: c.349G>A, p.Glu117Lys (LRG_132t1); short protein forms E117K.
Identifiers: ClinVar variation 66051 (VCV000066051.3), dbSNP rs397515470, ClinGen allele CA345288.

ClinVar aggregate classification (germline): Pathogenic. Review status: criteria provided, single submitter (1 of 4 stars). 3 submissions from 3 submitters: Pathogenic (1). 2 of the submissions do not count toward it. Last evaluated 2023-10-27.

Conditions:
Baraitser-Winter syndrome 1 (BRWS1). Also called: BARAITSER-WINTER SYNDROME 1, ATYPICAL; PACHYGYRIA, MENTAL RETARDATION, EPILEPSY, AND CHARACTERISTIC FACIES; MENTAL RETARDATION WITH EPILEPSY AND CHARACTERISTIC FACIES; Cerebrofrontofacial syndrome. Identifiers: Orphanet 2649, Orphanet 2995, MedGen C1855722, MONDO:0009470, OMIM 243310.

Submissions (3):

GeneDx
Classification: Pathogenic. Last evaluated: 2023-10-27. Review status: criteria provided, single submitter. Criteria: GeneDx Variant Classification Process June 2021. Collection method: clinical testing. Allele origin: germline. Affected: yes.
Comment: Published functional studies demonstrate a damaging effect with significantly decreased adherence and motility of cells and improper F-actin dynamics (PMID: 23649928); In silico analysis supports that this missense variant has a deleterious effect on protein structure/function; Not observed in large population cohorts (gnomAD); Missense variants in this gene are a common cause of disease and they are underrepresented in the general population; This variant is associated with the following publications: (PMID: 25052316, 30733661, 23649928)

Department of Genetics, Robert DEBRE University Hospital
Classification: Pathogenic for Iris coloboma with ptosis, hypertelorism, and mental retardation. Last evaluated: 2014-04-15. Review status: no assertion criteria provided. Collection method: clinical testing. Allele origin: germline. Affected: yes. Observed: 1 variant allele. Not counted in ClinVar's aggregate classification.

OMIM
Classification: Pathogenic for BARAITSER-WINTER SYNDROME 1, ATYPICAL. Last evaluated: 2013-09-01. Review status: no assertion criteria provided. Collection method: literature only. Allele origin: germline. Not counted in ClinVar's aggregate classification.

Literature cited by the submitters: PubMed 25052316 (cited by Department of Genetics, Robert DEBRE University Hospital); PubMed 23649928 (cited by OMIM).